The following is an entry in ClinVar:

ClinVar aggregate classification (germline): Likely pathogenic (1 of 4 stars; one submission).

Submission:

CeGaT Center for Human Genetics Tuebingen
Classification: Likely pathogenic. Last evaluated: 2026-02-01. Review status: criteria provided, single submitter. Criteria: CeGaT Center For Human Genetics Tuebingen Variant Classification Criteria Version 2. Collection method: clinical testing. Allele origin: germline. Affected: yes. Observed: 1 variant allele.
Comment: TTN: PVS1:Strong, PM2

NM_001267550.2(TTN):c.47005del (p.Thr15669fs)

Genes: TTN (titin; minus strand), TTN-AS1 (TTN antisense RNA 1; plus strand). Cytogenetic location: 2q31.2.
Variant type: Deletion.
Coding change: c.47005del on transcript NM_001267550.2 (MANE Select); coding-DNA position 47005, one base deleted (A; older notation c.47005delA).
Protein change: p.Thr15669fs; shifts the reading frame from threonine 15669.
Molecular consequence: frameshift variant.
Genome position (GRCh38, 1-based): chr2:178,618,453, T deleted on the plus strand (A on the coding strand, the reverse complement: TTN is on the minus strand); the first of 3 consecutive T bases (chr2:178,618,453-178,618,455); deleting any one gives the same sequence. VCF-style (leftmost placement, unchanged base first): chr2-178618452-GT-G. GRCh37 (hg19) VCF-style: chr2-179483179-GT-G.
Other names: c.42082del, p.Thr14028fs (NM_001256850.1); c.19810del, p.Thr6604fs (NM_003319.4); c.39301del, p.Thr13101fs (NM_133378.4); c.20185del, p.Thr6729fs (NM_133432.3); c.20386del, p.Thr6796fs (NM_133437.4); short protein forms T13101fs, T14028fs, T15669fs, T6604fs, T6729fs, T6796fs.
Identifiers: ClinVar variation 4823378 (VCV004823378.4).
Genomic context (GRCh38, chr2:178,618,452, plus strand): 5'-ATTTTGCTTCCACCATCAGTTAAAGGTTCTTCCCAAGCAAGGCTCACTTCACCATCAAAT[GT>G]TTCTGTCACTTCTAAGTTACGTACTGGCCCAGGAACATCTGAAATTCACATATAGAGGAA-3'